The following is an entry in ClinVar:

ClinVar aggregate classification (germline): Uncertain significance (1 of 4 stars; one submission).

Conditions:
Congenital myasthenic syndrome 4A. Also called: MYASTHENIC SYNDROME, CONGENITAL, 4A, SLOW-CHANNEL, AUTOSOMAL RECESSIVE; CONGENITAL MYASTHENIC SYNDROME TYPE Ia1; Myasthenic syndrome, congenital, 4a, slow-channel. Identifiers: Orphanet 590, MedGen C4225413, MONDO:0011600, OMIM 605809.

Allele frequency attached by ClinVar (database versions not stated): ExAC 0.00001; gnomAD 0.00001; gnomAD exomes 0.00001; TOPMed 0.00001.
gnomAD v4.1: 4 of 1,613,852 alleles (0.00025%); highest among the groups gnomAD compares: Admixed American, 0.0067%; no homozygotes.

Submission:

Labcorp Genetics (formerly Invitae), Labcorp
Classification: Uncertain significance for Congenital myasthenic syndrome 4A. Last evaluated: 2022-01-12. Review status: criteria provided, single submitter. Criteria: Invitae Variant Classification Sherloc (09022015). Collection method: clinical testing. Allele origin: germline.
Comment: This sequence change replaces tyrosine, which is neutral and polar, with histidine, which is basic and polar, at codon 262 of the CHRNE protein (p.Tyr262His). This variant is present in population databases (rs769228953, gnomAD 0.009%). This variant has not been reported in the literature in individuals affected with CHRNE-related conditions. Advanced modeling of protein sequence and biophysical properties (such as structural, functional, and spatial information, amino acid conservation, physicochemical variation, residue mobility, and thermodynamic stability) performed at Invitae indicates that this missense variant is expected to disrupt CHRNE protein function. In summary, the available evidence is currently insufficient to determine the role of this variant in disease. Therefore, it has been classified as a Variant of Uncertain Significance.

NM_000080.4(CHRNE):c.784T>C (p.Tyr262His)

Genes: C17orf107 (chromosome 17 open reading frame 107; plus strand), CHRNE (cholinergic receptor nicotinic epsilon subunit; minus strand). Cytogenetic location: 17p13.2.
Variant type: single nucleotide variant.
Coding change: c.784T>C on transcript NM_000080.4 (MANE Select); coding-DNA position 784, T replaced by C.
Protein change: p.Tyr262His; replaces tyrosine 262 with histidine.
Molecular consequence: missense variant. On other transcripts: 3 prime UTR variant (1).
Genome position (GRCh38, 1-based): chr17:4,901,008, A>G on the plus strand (T>C on the coding strand, the complement: CHRNE is on the minus strand). VCF-style: chr17-4901008-A-G. GRCh37 (hg19) VCF-style: chr17-4804303-A-G.
Other names: c.*475A>G (NM_001145536.2); short protein forms Y262H.
Identifiers: ClinVar variation 2153725 (VCV002153725.1), dbSNP rs769228953, ClinGen allele CA8314266.